The following is an entry in ClinVar:

ClinVar aggregate classification (germline): Uncertain significance (1 of 4 stars; one submission).

Conditions:
Inborn genetic diseases. Identifiers: MedGen C0950123, MeSH D030342.

Submission:

Ambry Genetics
Classification: Uncertain significance for Inborn genetic diseases. Last evaluated: 2026-07-06. Review status: criteria provided, single submitter. Criteria: Ambry Variant Classification Scheme 2023. Collection method: clinical testing. Allele origin: germline.
Comment: The p.G438C variant (also known as c.1312G>T), located in coding exon 8 of the RUNX1 gene, results from a G to T substitution at nucleotide position 1312. The glycine at codon 438 is replaced by cysteine, an amino acid with highly dissimilar properties. This amino acid position is conserved. In addition, the in silico prediction for this alteration is inconclusive. Based on the available evidence, the clinical significance of this variant remains unclear.

NM_001754.5(RUNX1):c.1312G>T (p.Gly438Cys)

Gene: RUNX1 (RUNX family transcription factor 1; minus strand). Cytogenetic location: 21q22.12.
Variant type: single nucleotide variant.
Coding change: c.1312G>T on transcript NM_001754.5 (MANE Select); coding-DNA position 1312, G replaced by T.
Protein change: p.Gly438Cys; replaces glycine 438 with cysteine.
Molecular consequence: missense variant.
Genome position (GRCh38, 1-based): chr21:34,792,266, C>A on the plus strand (G>T on the coding strand, the complement: RUNX1 is on the minus strand). VCF-style: chr21-34792266-C-A. GRCh37 (hg19) VCF-style: chr21-36164563-C-A.
Other names: c.1231G>T, p.Gly411Cys (NM_001001890.3); short protein forms G411C, G438C.
Identifiers: ClinVar variation 5028573 (VCV005028573.1).